The following is an entry in ClinVar:

ClinVar aggregate classification (germline): Uncertain significance (1 of 4 stars; one submission).

Submission:

Women's Health and Genetics/Laboratory Corporation of America, LabCorp
Classification: Uncertain significance. Last evaluated: 2022-05-16. Review status: criteria provided, single submitter. Criteria: LabCorp Variant Classification Summary - May 2015. Collection method: clinical testing. Allele origin: germline.
Comment: Variant summary: The variant identified by MLPA or other technology involves the duplication of the entire coding sequence of the LIPA gene. A presumed nomenclature of c.(?_-305)_(*1260_?)dup has been designated for the purposes of this classification. It has been assumed that this is a tandem duplication in direct orientation (Richardson_GIM_2018, Newman_AJHG_2015). The variant was absent in 21694 control chromosomes (gnomAD, Structural Variants dataset). The available data on variant occurrences in the general population are insufficient to allow any conclusion about variant significance. To our knowledge, no occurrence of c.(?_-305)_(*1260_?)dup in individuals affected with Lysosomal Acid Lipase Deficiency and no experimental evidence demonstrating its impact on protein function have been reported. No clinical diagnostic laboratories have submitted clinical-significance assessments for this variant to ClinVar after 2014. Based on the evidence outlined above, the variant was classified as uncertain significance.

NC_000010.10:g.(?_90973325)_(91011797_?)dup

Gene: LIPA (lipase A, lysosomal acid type; minus strand). Cytogenetic location: 10q23.31.
Variant type: Duplication.
Identifiers: ClinVar variation 1696109 (VCV001696109.1).